The following is an entry in ClinVar:

ClinVar aggregate classification (germline): Uncertain significance (1 of 4 stars; one submission).

Conditions:
Inborn genetic diseases. Identifiers: MedGen C0950123, MeSH D030342.

Submission:

Ambry Genetics
Classification: Uncertain significance for Inborn genetic diseases. Last evaluated: 2024-05-31. Review status: criteria provided, single submitter. Criteria: Ambry Variant Classification Scheme 2023. Collection method: clinical testing. Allele origin: germline.
Comment: The c.196-205_250del variant results from a deletion of 260 nucleotides between positions c.196-205 and c.250 and involves the canonical splice acceptor site before coding exon 2 of the CCND2 gene. Alterations that disrupt the canonical splice site are expected to result in aberrant splicing. The resulting transcript is predicted to be in-frame and is not expected to trigger nonsense-mediated mRNA decay; however, direct evidence is unavailable. The exact functional effect of the altered amino acid sequence is unknown. This variant was not reported in population-based cohorts in the Genome Aggregation Database (gnomAD). In silico splice site analysis predicts that this alteration will weaken the native splice acceptor site and will result in the creation or strengthening of a novel splice acceptor site. Based on insufficient or conflicting evidence, the clinical significance of this alteration remains unclear.

NM_001759.4(CCND2):c.196-205_250del

Genes: CCND2 (cyclin D2; plus strand), CCND2-AS1 (CCND2 antisense RNA 1; minus strand). Cytogenetic location: 12p13.32.
Variant type: Deletion.
Coding change: c.196-205_250del on transcript NM_001759.4 (MANE Select); 205 bases into the intron before coding-DNA position 196 through coding-DNA position 250, 260 bases deleted.
Molecular consequence: splice acceptor variant.
Genome position (GRCh38, 1-based): chr12:4,275,800-4,276,059, 260 bases deleted. GRCh37 (hg19): chr12:4,384,966-4,385,225.
Identifiers: ClinVar variation 3264540 (VCV003264540.1).